The following is an entry in ClinVar:

ClinVar aggregate classification (germline): Uncertain significance. Review status: criteria provided, multiple submitters, no conflicts (2 of 4 stars). 4 submissions from 4 submitters: Uncertain significance (4). Last evaluated 2025-01-30.

Conditions:
Cardiovascular phenotype. Identifiers: MedGen CN230736.
Cardiomyopathy (CMYO). Also called: Cardiomyopathies. Identifiers: Orphanet 167848, MedGen C0878544, MONDO:0004994, HP:0001638. Inheritance: Various modes of inheritance.
Lethal congenital glycogen storage disease of heart. Also called: GLYCOGEN STORAGE DISEASE OF HEART; PHOSPHORYLASE KINASE DEFICIENCY OF HEART. Identifiers: Orphanet 439854, MedGen C1849813, MONDO:0009867, OMIM 261740.
Hypertrophic cardiomyopathy. Also called: HYPERTROPHIC MYOCARDIOPATHY. Identifiers: Orphanet 217569, MedGen C0007194, MeSH D002312, MONDO:0005045, HP:0001639.

Allele frequency attached by ClinVar (database versions not stated): gnomAD exomes below 0.00001; TOPMed below 0.00001; ExAC 0.00001.
gnomAD v4.1: 5 of 1,599,698 alleles (0.00031%); highest among the groups gnomAD compares: Non-Finnish European, 0.00043%; no homozygotes.

Submissions (4):

Labcorp Genetics (formerly Invitae), Labcorp
Classification: Uncertain significance for Lethal congenital glycogen storage disease of heart. Last evaluated: 2025-01-30. Review status: criteria provided, single submitter. Criteria: Invitae Variant Classification Sherloc (09022015). Collection method: clinical testing. Allele origin: germline.
Comment: This sequence change replaces alanine, which is neutral and non-polar, with serine, which is neutral and polar, at codon 368 of the PRKAG2 protein (p.Ala368Ser). The frequency data for this variant in the population databases is considered unreliable, as metrics indicate poor data quality at this position in the gnomAD database. This variant has not been reported in the literature in individuals affected with PRKAG2-related conditions. ClinVar contains an entry for this variant (Variation ID: 920127). Invitae Evidence Modeling of protein sequence and biophysical properties (such as structural, functional, and spatial information, amino acid conservation, physicochemical variation, residue mobility, and thermodynamic stability) indicates that this missense variant is not expected to disrupt PRKAG2 protein function with a negative predictive value of 95%. In summary, the available evidence is currently insufficient to determine the role of this variant in disease. Therefore, it has been classified as a Variant of Uncertain Significance.

Color Diagnostics, LLC DBA Color Health
Classification: Uncertain significance for Cardiomyopathy. Last evaluated: 2024-03-07. Review status: criteria provided, single submitter. Criteria: ACMG Guidelines, 2015. Collection method: clinical testing. Allele origin: germline.
Comment: This missense variant replaces alanine with serine at codon 368 of the PRKAG2 protein. Computational prediction is inconclusive regarding the impact of this variant on protein structure and function (internally defined REVEL score threshold 0.5 < inconclusive < 0.7, PMID: 27666373). To our knowledge, functional studies have not been reported for this variant. This variant has not been reported in individuals affected with PRKAG2-related disorders in the literature. This variant has been identified in 1/247296 chromosomes in the general population by the Genome Aggregation Database (gnomAD). The available evidence is insufficient to determine the role of this variant in disease conclusively. Therefore, this variant is classified as a Variant of Uncertain Significance.

All of Us Research Program, National Institutes of Health
Classification: Uncertain significance for Hypertrophic cardiomyopathy. Last evaluated: 2023-05-16. Review status: criteria provided, single submitter. Criteria: ACMG Guidelines, 2015. Collection method: clinical testing. Allele origin: germline. Inheritance: Autosomal dominant inheritance. Observed: 1 variant allele, 1 heterozygote.
Comment: This missense variant replaces alanine with serine at codon 368 of the PRKAG2 protein. Computational prediction is inconclusive regarding the impact of this variant on protein structure and function (internally defined REVEL score threshold 0.5 < inconclusive < 0.7, PMID: 27666373). To our knowledge, functional studies have not been reported for this variant. This variant has not been reported in individuals affected with cardiovascular disorders in the literature. This variant has been identified in 1/247296 chromosomes in the general population by the Genome Aggregation Database (gnomAD). The available evidence is insufficient to determine the role of this variant in disease conclusively. Therefore, this variant is classified as a Variant of Uncertain Significance.

This study involves interpretation of variants in research participants for the purpose of population health screening. Participant phenotype was not available at the time of variant classification. Additional details can be found in publication PMID: 35346344, PMCID: PMC8962531

Ambry Genetics
Classification: Uncertain significance for Cardiovascular phenotype. Last evaluated: 2022-01-07. Review status: criteria provided, single submitter. Criteria: Ambry Variant Classification Scheme 2023. Collection method: clinical testing. Allele origin: germline.
Comment: The p.A368S variant (also known as c.1102G>T), located in coding exon 10 of the PRKAG2 gene, results from a G to T substitution at nucleotide position 1102. The alanine at codon 368 is replaced by serine, an amino acid with similar properties. This amino acid position is conserved. In addition, this alteration is predicted to be deleterious by in silico analysis. Since supporting evidence is limited at this time, the clinical significance of this alteration remains unclear.

NM_016203.4(PRKAG2):c.1102G>T (p.Ala368Ser)

Gene: PRKAG2 (protein kinase AMP-activated non-catalytic subunit gamma 2; minus strand). Cytogenetic location: 7q36.1.
Variant type: single nucleotide variant.
Coding change: c.1102G>T on transcript NM_016203.4 (MANE Select); coding-DNA position 1102, G replaced by T.
Protein change: p.Ala368Ser; replaces alanine 368 with serine.
Molecular consequence: missense variant.
Genome position (GRCh38, 1-based): chr7:151,570,175, C>A on the plus strand (G>T on the coding strand, the complement: PRKAG2 is on the minus strand). VCF-style: chr7-151570175-C-A. GRCh37 (hg19) VCF-style: chr7-151267261-C-A.
Other names: c.970G>T, p.Ala324Ser (NM_001040633.2); c.727G>T, p.Ala243Ser (NM_001304527.2); c.379G>T, p.Ala127Ser (NM_001304531.2, NM_024429.2); c.730G>T, p.Ala244Ser (NM_001363698.2); c.1102G>T (NM_016203.3); short protein forms A244S, A127S, A243S, A324S, A368S.
Identifiers: ClinVar variation 920127 (VCV000920127.16), dbSNP rs769212614, ClinGen allele CA053424.